The following is an entry in ClinVar:

NM_000207.3(INS):c.-17-6T>A

Genes: INS (insulin; minus strand), INS-IGF2 (INS-IGF2 readthrough; minus strand). Cytogenetic location: 11p15.5.
Variant type: single nucleotide variant.
Coding change: c.-17-6T>A on transcript NM_000207.3 (MANE Select); 6 bases into the intron before 17 bases upstream of the start codon, T replaced by A.
Molecular consequence: intron variant. On other transcripts: 5 prime UTR variant (1).
Genome position (GRCh38, 1-based): chr11:2,160,994, A>T on the plus strand (T>A on the coding strand, the complement: INS is on the minus strand). VCF-style: chr11-2160994-A-T. GRCh37 (hg19) VCF-style: chr11-2182224-A-T.
Other names: c.-23T>A (NM_001185098.2); c.-17-6T>A (NM_001042376.3, NM_001185097.2, NM_001291897.2).
Identifiers: ClinVar variation 304059 (VCV000304059.9), dbSNP rs689, ClinGen allele CA5818209.

ClinVar aggregate classification (germline): Benign. Review status: criteria provided, multiple submitters, no conflicts (2 of 4 stars). 4 submissions from 4 submitters: Benign (4). Last evaluated 2018-01-12.

Conditions:
Maturity-onset diabetes of the young type 10. Identifiers: Orphanet 552, MedGen C3150617, MONDO:0013240, OMIM 613370.

Allele frequency attached by ClinVar (database versions not stated): ESP Exome Variant Server 0.56714; TOPMed 0.58839; gnomAD 0.59334 and 0.60905; 1000 Genomes Project 30x 0.63835; 1000 Genomes Project 0.64956; gnomAD exomes 0.72042 and 0.73433; ExAC 0.72680.

Submissions (4):

Illumina Laboratory Services, Illumina
Classification: Benign for Maturity-onset diabetes of the young type 10. Last evaluated: 2018-01-12. Review status: criteria provided, single submitter. Criteria: ICSL Variant Classification Criteria 13 December 2019. Collection method: clinical testing. Allele origin: germline.
Comment: This variant was observed in the ICSL laboratory as part of a predisposition screen in an ostensibly healthy population. It had not been previously curated by ICSL or reported in the Human Gene Mutation Database (HGMD: prior to June 1st, 2018), and was therefore a candidate for classification through an automated scoring system. Utilizing variant allele frequency, disease prevalence and penetrance estimates, and inheritance mode, an automated score was calculated to assess if this variant is too frequent to cause the disease. Based on the score and internal cut-off values, a variant classified as benign is not then subjected to further curation. The score for this variant resulted in a classification of benign for this disease.

Athena Diagnostics
Classification: Benign. Last evaluated: 2017-08-24. Review status: criteria provided, single submitter. Criteria: Athena Diagnostics Criteria. Collection method: clinical testing. Allele origin: germline.

GeneDx
Classification: Benign. Last evaluated: 2015-03-03. Review status: criteria provided, single submitter. Criteria: GeneDx Variant Classification Process June 2021. Collection method: clinical testing. Allele origin: germline. Affected: yes.
Comment: This variant is associated with the following publications: (PMID: 16380501, 17327440, 22357962, 20628762)

Breakthrough Genomics
Classification: Benign. Review status: criteria provided, single submitter. Criteria: ACMG Guidelines, 2015. Collection method: not provided. Allele origin: germline. Inheritance: Autosomal dominant inheritance. Affected: yes.